The following is an entry in ClinVar:

ClinVar aggregate classification (germline): Uncertain significance (1 of 4 stars; one submission).

Conditions:
Nemaline myopathy 5 (NEM5A). Also called: NEMALINE MYOPATHY, AMISH TYPE; NEMALINE MYOPATHY 5A, AUTOSOMAL RECESSIVE, SEVERE INFANTILE; Nemaline myopathy 5, Amish type. Identifiers: Orphanet 98902, MedGen C1854380, MONDO:0011539, OMIM 605355.

Allele frequency attached by ClinVar (database versions not stated): gnomAD exomes below 0.00001 and 0.00001; gnomAD 0.00001; TOPMed 0.00001.

Submission:

Labcorp Genetics (formerly Invitae), Labcorp
Classification: Uncertain significance for Nemaline myopathy 5. Last evaluated: 2024-01-15. Review status: criteria provided, single submitter. Criteria: Invitae Variant Classification Sherloc (09022015). Collection method: clinical testing. Allele origin: germline.
Comment: This sequence change replaces glutamic acid, which is acidic and polar, with glycine, which is neutral and non-polar, at codon 24 of the TNNT1 protein (p.Glu24Gly). The frequency data for this variant in the population databases is considered unreliable, as metrics indicate poor data quality at this position in the gnomAD database. This variant has not been reported in the literature in individuals affected with TNNT1-related conditions. ClinVar contains an entry for this variant (Variation ID: 1508783). Experimental studies and prediction algorithms are not available or were not evaluated, and the functional significance of this variant is currently unknown. In summary, the available evidence is currently insufficient to determine the role of this variant in disease. Therefore, it has been classified as a Variant of Uncertain Significance.

NM_003283.6(TNNT1):c.71A>G (p.Glu24Gly)

Gene: TNNT1 (troponin T1, slow skeletal type; minus strand). Cytogenetic location: 19q13.42.
Variant type: single nucleotide variant.
Coding change: c.71A>G on transcript NM_003283.6 (MANE Select); coding-DNA position 71, A replaced by G.
Protein change: p.Glu24Gly; replaces glutamic acid 24 with glycine.
Molecular consequence: missense variant.
Genome position (GRCh38, 1-based): chr19:55,146,683, T>C on the plus strand (A>G on the coding strand, the complement: TNNT1 is on the minus strand). VCF-style: chr19-55146683-T-C. GRCh37 (hg19) VCF-style: chr19-55658051-T-C.
Other names: c.71A>G, p.Glu24Gly (NM_001126132.3, NM_001126133.3, NM_001291774.2); short protein forms E24G.
Identifiers: ClinVar variation 1508783 (VCV001508783.8), dbSNP rs1391760195, ClinGen allele CA407438407.